The following is an entry in ClinVar:

ClinVar aggregate classification (germline): Uncertain significance. Review status: criteria provided, multiple submitters, no conflicts (2 of 4 stars). 3 submissions from 3 submitters: Uncertain significance (2). 1 of the submissions does not count toward it. Last evaluated 2025-03-15.

Conditions:
Inborn genetic diseases. Identifiers: MedGen C0950123, MeSH D030342.
Larsen syndrome (LRS). Also called: Bilateral dislocation of the knees, pes cavus, cylindrically shaped fingers and characteristic facies; Larsen syndrome (FLNB-LS). Identifiers: Orphanet 503, MedGen C0175778, MONDO:0007875, OMIM 150250. Disease mechanism: loss of function.

Allele frequency attached by ClinVar (database versions not stated): gnomAD exomes below 0.00001; TOPMed below 0.00001; gnomAD 0.00003.
gnomAD v4.1: 9 of 1,613,978 alleles (0.00056%); highest among the groups gnomAD compares: South Asian, 0.0011%; no homozygotes.

Submissions (3):

Ambry Genetics
Classification: Uncertain significance for Inborn genetic diseases. Last evaluated: 2025-03-15. Review status: criteria provided, single submitter. Criteria: Ambry Variant Classification Scheme 2023. Collection method: clinical testing. Allele origin: germline.

Labcorp Genetics (formerly Invitae), Labcorp
Classification: Uncertain significance. Last evaluated: 2024-02-17. Review status: criteria provided, single submitter. Criteria: Invitae Variant Classification Sherloc (09022015). Collection method: clinical testing. Allele origin: germline.
Comment: This sequence change replaces alanine, which is neutral and non-polar, with aspartic acid, which is acidic and polar, at codon 433 of the FLNB protein (p.Ala433Asp). This variant is present in population databases (no rsID available, gnomAD 0.002%). This variant has not been reported in the literature in individuals affected with FLNB-related conditions. ClinVar contains an entry for this variant (Variation ID: 1319922). Advanced modeling of protein sequence and biophysical properties (such as structural, functional, and spatial information, amino acid conservation, physicochemical variation, residue mobility, and thermodynamic stability) performed at Invitae indicates that this missense variant is not expected to disrupt FLNB protein function with a negative predictive value of 95%. In summary, the available evidence is currently insufficient to determine the role of this variant in disease. Therefore, it has been classified as a Variant of Uncertain Significance.

Clinical Genetics Laboratory, University Hospital Schleswig-Holstein
Classification: Uncertain significance for Larsen syndrome. Last evaluated: 2021-09-13. Review status: no assertion criteria provided. Collection method: clinical testing. Allele origin: germline. Affected: yes. Not counted in ClinVar's aggregate classification.

NM_001457.4(FLNB):c.1298C>A (p.Ala433Asp)

Gene: FLNB (filamin B; plus strand). Cytogenetic location: 3p14.3.
Variant type: single nucleotide variant.
Coding change: c.1298C>A on transcript NM_001457.4 (MANE Select); coding-DNA position 1298, C replaced by A.
Protein change: p.Ala433Asp; replaces alanine 433 with aspartic acid.
Molecular consequence: missense variant.
Genome position (GRCh38, 1-based): chr3:58,098,861, C>A. VCF-style: chr3-58098861-C-A. GRCh37 (hg19) VCF-style: chr3-58084588-C-A.
Other names: c.1298C>A, p.Ala433Asp (NM_001164317.2, NM_001164318.2, NM_001164319.2); c.1298C>A (NM_001457.3); short protein forms A433D.
Identifiers: ClinVar variation 1319922 (VCV001319922.6), dbSNP rs1455523738, ClinGen allele CA353337061.